The following is an entry in ClinVar:

NM_015335.5(MED13L):c.656C>T (p.Thr219Met)

Gene: MED13L (mediator complex subunit 13L; minus strand). Cytogenetic location: 12q24.21.
Variant type: single nucleotide variant.
Coding change: c.656C>T on transcript NM_015335.5 (MANE Select); coding-DNA position 656, C replaced by T.
Protein change: p.Thr219Met; replaces threonine 219 with methionine.
Molecular consequence: missense variant.
Genome position (GRCh38, 1-based): chr12:116,019,942, G>A on the plus strand (C>T on the coding strand, the complement: MED13L is on the minus strand). VCF-style: chr12-116019942-G-A. GRCh37 (hg19) VCF-style: chr12-116457747-G-A.
Other names: short protein forms T219M.
Identifiers: ClinVar variation 431825 (VCV000431825.49), dbSNP rs191743300, ClinGen allele CA6811603.

ClinVar aggregate classification (germline): Conflicting classifications of pathogenicity. Review status: criteria provided, conflicting classifications (1 of 4 stars). 5 submissions from 5 submitters: Uncertain significance (2); Likely benign (2). 1 of the submissions does not count toward it. Last evaluated 2025-12-08.

Conditions:
Dextro-looped transposition of the great arteries. Also called: Dextrotransposition of the great arteries. Identifiers: Orphanet 860, MedGen C3531771, MONDO:0019443, OMIM 608808, HP:0031348.
MED13L-related disorder. Also called: MED13L-related condition.

Allele frequency attached by ClinVar (database versions not stated): 1000 Genomes Project 30x 0.00062; ESP Exome Variant Server 0.00008; TOPMed 0.00009; gnomAD 0.00010 and 0.00013; gnomAD exomes 0.00014 and 0.00016; ExAC 0.00017; 1000 Genomes Project 0.00060.
gnomAD v4.1: 251 of 1,613,522 alleles (0.016%); highest among the groups gnomAD compares: East Asian, 0.04%; no homozygotes.

Submissions (5):

Labcorp Genetics (formerly Invitae), Labcorp
Classification: Likely benign for Dextro-looped transposition of the great arteries. Last evaluated: 2025-12-08. Review status: criteria provided, single submitter. Criteria: Invitae Variant Classification Sherloc (09022015). Collection method: clinical testing. Allele origin: germline.

Blueprint Genetics
Classification: Uncertain significance. Last evaluated: 2024-10-07. Review status: criteria provided, single submitter. Criteria: ACMG Guidelines, 2015. Collection method: clinical testing. Allele origin: germline.

CeGaT Center for Human Genetics Tuebingen
Classification: Uncertain significance. Last evaluated: 2022-08-01. Review status: criteria provided, single submitter. Criteria: CeGaT Center For Human Genetics Tuebingen Variant Classification Criteria Version 2. Collection method: clinical testing. Allele origin: germline. Affected: yes. Observed: 3 variant alleles.
Comment: MED13L: PP2

GeneDx
Classification: Likely benign. Last evaluated: 2017-06-08. Review status: criteria provided, single submitter. Criteria: GeneDx Variant Classification (06012015). Collection method: clinical testing. Allele origin: germline. Affected: yes.
Comment: This variant is considered likely benign or benign based on one or more of the following criteria: it is a conservative change, it occurs at a poorly conserved position in the protein, it is predicted to be benign by multiple in silico algorithms, and/or has population frequency not consistent with disease.

PreventionGenetics, part of Exact Sciences
Classification: Likely benign for MED13L-related condition. Last evaluated: 2021-01-05. Review status: no assertion criteria provided. Collection method: clinical testing. Allele origin: germline. Not counted in ClinVar's aggregate classification.
Comment: This variant is classified as likely benign based on ACMG/AMP sequence variant interpretation guidelines (Richards et al. 2015 PMID: 25741868, with internal and published modifications).